The following is an entry in ClinVar:

ClinVar aggregate classification (germline): Uncertain significance (1 of 4 stars; one submission).

Submission:

Labcorp Genetics (formerly Invitae), Labcorp
Classification: Uncertain significance. Last evaluated: 2025-08-03. Review status: criteria provided, single submitter. Criteria: Invitae Variant Classification Sherloc (09022015). Collection method: clinical testing. Allele origin: germline.
Comment: This sequence change replaces methionine, which is neutral and non-polar, with threonine, which is neutral and polar, at codon 600 of the KIF20A protein (p.Met600Thr). This variant is not present in population databases (gnomAD no frequency). This variant has not been reported in the literature in individuals affected with KIF20A-related conditions. An algorithm developed to predict the effect of missense changes on protein structure and function (PolyPhen-2) suggests that this variant is likely to be tolerated. In summary, the available evidence is currently insufficient to determine the role of this variant in disease. Therefore, it has been classified as a Variant of Uncertain Significance.

NM_005733.3(KIF20A):c.1799T>C (p.Met600Thr)

Gene: KIF20A (kinesin family member 20A; plus strand). Cytogenetic location: 5q31.2.
Variant type: single nucleotide variant.
Coding change: c.1799T>C on transcript NM_005733.3 (MANE Select); coding-DNA position 1799, T replaced by C.
Protein change: p.Met600Thr; replaces methionine 600 with threonine.
Molecular consequence: missense variant.
Genome position (GRCh38, 1-based): chr5:138,184,922, T>C. VCF-style: chr5-138184922-T-C. GRCh37 (hg19) VCF-style: chr5-137520611-T-C.
Other names: short protein forms M600T.
Identifiers: ClinVar variation 4713719 (VCV004713719.1).